The following is an entry in ClinVar:

NM_000038.6(APC):c.8321G>A (p.Ser2774Asn)

Gene: APC (APC regulator of Wnt signaling pathway; plus strand). Cytogenetic location: 5q22.2.
Variant type: single nucleotide variant.
Coding change: c.8321G>A on transcript NM_000038.6 (MANE Select); coding-DNA position 8321, G replaced by A.
Protein change: p.Ser2774Asn; replaces serine 2774 with asparagine.
Molecular consequence: missense variant. On other transcripts: non-coding transcript variant (2).
Genome position (GRCh38, 1-based): chr5:112,843,915, G>A. VCF-style: chr5-112843915-G-A. GRCh37 (hg19) VCF-style: chr5-112179612-G-A.
Other names: c.8321G>A, p.Ser2774Asn (NM_001127510.3, NM_001354895.2, NM_001407450.1); c.8267G>A, p.Ser2756Asn (NM_001127511.3); c.8375G>A, p.Ser2792Asn (NM_001354896.2, NM_001407447.1, NM_001407448.1 and 1 more transcripts); c.8351G>A, p.Ser2784Asn (NM_001354897.2); c.8246G>A, p.Ser2749Asn (NM_001354898.2); c.8237G>A, p.Ser2746Asn (NM_001354899.2); c.8198G>A, p.Ser2733Asn (NM_001354900.2); c.8144G>A, p.Ser2715Asn (NM_001354901.2, NM_001407453.1); and 11 more; short protein forms S2390N, S2491N, S2614N, S2645N, S2648N, S2673N, S2683N, S2691N.
Identifiers: ClinVar variation 3231776 (VCV003231776.1), dbSNP rs863224553, ClinGen allele CA16039388.
Genomic context (GRCh38, chr5:112,843,915, plus strand): 5'-GTTCTATAGTGGAACGTACCCCATTCAGTTCTAGCAGCTCAAGCAAACACAGTTCACCTA[G>A]TGGGACTGTTGCTGCCAGAGTGACTCCTTTTAATTACAACCCAAGCCCTAGGAAAAGCAG-3'
Protein context (NP_000029.2, residues 2764-2784): SSSSSKHSSP[Ser2774Asn]GTVAARVTPF

ClinVar aggregate classification (germline): Uncertain significance (1 of 4 stars; one submission).

Conditions:
Hereditary cancer-predisposing syndrome. Also called: Neoplastic Syndromes, Hereditary; Tumor predisposition; Hereditary neoplastic syndrome; Hereditary Cancer Syndrome. Identifiers: Orphanet 140162, MedGen C0027672, MeSH D009386, MONDO:0015356.

Submission:

Ambry Genetics
Classification: Uncertain significance for Hereditary cancer-predisposing syndrome. Last evaluated: 2023-09-29. Review status: criteria provided, single submitter. Criteria: Ambry Variant Classification Scheme 2023. Collection method: clinical testing. Allele origin: germline.
Comment: The p.S2774N variant (also known as c.8321G>A), located in coding exon 15 of the APC gene, results from a G to A substitution at nucleotide position 8321. The serine at codon 2774 is replaced by asparagine, an amino acid with highly similar properties. This amino acid position is well conserved in available vertebrate species. In addition, in silico predictors for this gene do not accurately predict pathogenicity. Since supporting evidence is limited at this time, the clinical significance of this alteration remains unclear.